The following is an entry in ClinVar:

NM_020376.4(PNPLA2):c.178G>A (p.Val60Ile)

Genes: PNPLA2 (patatin like domain 2, triacylglycerol lipase; plus strand), LOC130005097 (ATAC-STARR-seq lymphoblastoid silent region 3036; plus strand). Cytogenetic location: 11p15.5.
Variant type: single nucleotide variant.
Coding change: c.178G>A on transcript NM_020376.4 (MANE Select); coding-DNA position 178, G replaced by A.
Protein change: p.Val60Ile; replaces valine 60 with isoleucine.
Molecular consequence: missense variant.
Genome position (GRCh38, 1-based): chr11:819,896, G>A. VCF-style: chr11-819896-G-A. GRCh37 (hg19) VCF-style: chr11-819896-G-A.
Other names: short protein forms V60I.
Identifiers: ClinVar variation 659464 (VCV000659464.9), dbSNP rs1590173934, ClinGen allele CA378977256.

ClinVar aggregate classification (germline): Uncertain significance (1 of 4 stars; one submission).

Conditions:
Neutral lipid storage myopathy (NLSDM). Also called: NEUTRAL LIPID STORAGE DISEASE WITHOUT ICHTHYOSIS. Identifiers: MedGen C1853136, MONDO:0012545, OMIM 610717, Orphanet 98908.

Allele frequency attached by ClinVar (database versions not stated): gnomAD exomes below 0.00001.
gnomAD v4.1: 1 of 1,408,936 alleles (0.000071%); highest among the groups gnomAD compares: Non-Finnish European, 0.000092%; no homozygotes.

Submission:

Labcorp Genetics (formerly Invitae), Labcorp
Classification: Uncertain significance for Neutral lipid storage myopathy. Last evaluated: 2018-12-18. Review status: criteria provided, single submitter. Criteria: Invitae Variant Classification Sherloc (09022015). Collection method: clinical testing. Allele origin: germline.
Comment: The frequency data for this variant in the population databases is considered unreliable, as metrics indicate insufficient coverage at this position in the ExAC database. This sequence change replaces valine with isoleucine at codon 60 of the PNPLA2 protein (p.Val60Ile). The valine residue is weakly conserved and there is a small physicochemical difference between valine and isoleucine. This variant has not been reported in the literature in individuals with PNPLA2-related conditions. Algorithms developed to predict the effect of missense changes on protein structure and function (SIFT, PolyPhen-2, Align-GVGD) all suggest that this variant is likely to be tolerated, but these predictions have not been confirmed by published functional studies and their clinical significance is uncertain. In summary, the available evidence is currently insufficient to determine the role of this variant in disease. Therefore, it has been classified as a Variant of Uncertain Significance.